The following is an entry in ClinVar:

ClinVar aggregate classification (germline): Likely benign (1 of 4 stars; one submission).

Submission:

CeGaT Center for Human Genetics Tuebingen
Classification: Likely benign. Last evaluated: 2026-01-01. Review status: criteria provided, single submitter. Criteria: CeGaT Center For Human Genetics Tuebingen Variant Classification Criteria Version 2. Collection method: clinical testing. Allele origin: germline. Affected: yes. Observed: 1 variant allele.
Comment: ZNF439: BP4

NM_001348719.2(ZNF439):c.760A>G (p.Lys254Glu)

Gene: ZNF439 (zinc finger protein 439; plus strand). Cytogenetic location: 19p13.2.
Variant type: single nucleotide variant.
Coding change: c.760A>G on transcript NM_001348719.2 (MANE Select); coding-DNA position 760, A replaced by G.
Protein change: p.Lys254Glu; replaces lysine 254 with glutamic acid.
Molecular consequence: missense variant.
Genome position (GRCh38, 1-based): chr19:11,867,814, A>G. VCF-style: chr19-11867814-A-G. GRCh37 (hg19) VCF-style: chr19-11978629-A-G.
Other names: c.769A>G, p.Lys257Glu (NM_001348718.2); c.706A>G, p.Lys236Glu (NM_001348720.2, NM_001348721.2); c.604A>G, p.Lys202Glu (NM_001348722.2, NM_001348723.2); c.337A>G, p.Lys113Glu (NM_001348724.2, NM_001348725.2); c.745A>G, p.Lys249Glu (NM_152262.3); short protein forms K113E, K202E, K236E, K249E, K254E, K257E.
Identifiers: ClinVar variation 4820945 (VCV004820945.4).